The following is an entry in ClinVar:

NC_000001.11:g.114695548C>A

Gene: AMPD1 (adenosine monophosphate deaminase 1; minus strand). Cytogenetic location: 1p13.2.
Variant type: single nucleotide variant.
Genome position: GRCh38 VCF-style: chr1-114695548-C-A. GRCh37 (hg19) VCF-style: chr1-115238169-C-A.
Identifiers: ClinVar variation 2127927 (VCV002127927.1), dbSNP rs1658652704, ClinGen allele CA341736522.

ClinVar aggregate classification (germline): Uncertain significance (1 of 4 stars; one submission).

Conditions:
Muscle AMP deaminase deficiency (MMDD). Also called: AMPD1 DEFICIENCY; Myoadenylate deaminase deficiency, myopathy due to; Adenosine monophosphate deaminase 1 deficiency; AMP deaminase 1 deficiency; Adenosine Monophosphate Deaminase 1; ADENOSINE MONOPHOSPHATE DEAMINASE-1 DEFICIENCY, MYOPATHY DUE TO. Identifiers: Orphanet 45, MedGen C3714933, MONDO:0014220, OMIM 615511.

Allele frequency attached by ClinVar (database versions not stated): gnomAD 0.00001.

Submission:

Labcorp Genetics (formerly Invitae), Labcorp
Classification: Uncertain significance for Muscle AMP deaminase deficiency. Last evaluated: 2022-04-20. Review status: criteria provided, single submitter. Criteria: Invitae Variant Classification Sherloc (09022015). Collection method: clinical testing. Allele origin: germline.
Comment: This sequence change replaces serine, which is neutral and polar, with isoleucine, which is neutral and non-polar, at codon 8 of the AMPD1 protein (p.Ser8Ile). This variant is not present in population databases (gnomAD no frequency). This variant has not been reported in the literature in individuals affected with AMPD1-related conditions. Algorithms developed to predict the effect of missense changes on protein structure and function (SIFT, PolyPhen-2, Align-GVGD) all suggest that this variant is likely to be tolerated. In summary, the available evidence is currently insufficient to determine the role of this variant in disease. Therefore, it has been classified as a Variant of Uncertain Significance.